The following is an entry in ClinVar:

NM_001367561.1(DOCK7):c.604C>T (p.Leu202Phe)

Gene: DOCK7 (dedicator of cytokinesis 7; minus strand). Cytogenetic location: 1p31.3.
Variant type: single nucleotide variant.
Coding change: c.604C>T on transcript NM_001367561.1 (MANE Select); coding-DNA position 604, C replaced by T.
Protein change: p.Leu202Phe; replaces leucine 202 with phenylalanine.
Molecular consequence: missense variant.
Genome position (GRCh38, 1-based): chr1:62,648,234, G>A on the plus strand (C>T on the coding strand, the complement: DOCK7 is on the minus strand). VCF-style: chr1-62648234-G-A. GRCh37 (hg19) VCF-style: chr1-63113905-G-A.
Other names: p.Leu202Phe; c.604C>T, p.Leu202Phe (NM_001271999.2, NM_001272000.2, NM_001272001.2 and 3 more transcripts); c.604C>T (NM_001271999.1); short protein forms L202F.
Identifiers: ClinVar variation 3504555 (VCV003504555.2).

ClinVar aggregate classification (germline): Uncertain significance. Review status: criteria provided, multiple submitters, no conflicts (2 of 4 stars). 2 submissions from 2 submitters: Uncertain significance (2). Last evaluated 2025-04-28.

Conditions:
Inborn genetic diseases. Identifiers: MedGen C0950123, MeSH D030342.

Submissions (2):

Mayo Clinic Laboratories, Mayo Clinic
Classification: Uncertain significance. Last evaluated: 2025-04-28. Review status: criteria provided, single submitter. Criteria: ACMG Guidelines, 2015. Collection method: clinical testing. Allele origin: germline. Observed: 1 variant allele.
Comment: BP4_moderate, PM2_supporting

Ambry Genetics
Classification: Uncertain significance for Inborn genetic diseases. Last evaluated: 2024-11-25. Review status: criteria provided, single submitter. Criteria: Ambry Variant Classification Scheme 2023. Collection method: clinical testing. Allele origin: germline.